The following is an entry in ClinVar:

ClinVar aggregate classification (germline): Pathogenic (1 of 4 stars; one submission).

Conditions:
Tuberous sclerosis 2 (TSC2). Identifiers: Orphanet 805, MedGen C1860707, MONDO:0013199, OMIM 613254.

Submission:

Labcorp Genetics (formerly Invitae), Labcorp
Classification: Pathogenic for Tuberous sclerosis 2. Last evaluated: 2019-10-21. Review status: criteria provided, single submitter. Criteria: Invitae Variant Classification Sherloc (09022015). Collection method: clinical testing. Allele origin: germline.
Comment: A gross deletion of the genomic region encompassing the full coding sequence of the TSC2 gene has been identified. The boundaries of this event are unknown as the deletion extends beyond the assayed region for this gene and therefore may encompass additional genes. Loss-of-function variants in TSC2 are known to be pathogenic. This particular variant has been reported in the literature in individuals affected with tuberous sclerosis complex (PMID: 17287951, 16114042). For these reasons, this variant has been classified as Pathogenic.

Literature cited by the submitters: PubMed 17287951; PubMed 16114042.

NC_000016.10:g.(?_2048596)_(2111891_?)del

Genes: MIR1225 (microRNA 1225; minus strand), PKD1 (polycystin 1, transient receptor potential channel interacting; minus strand), TSC2 (TSC complex subunit 2; plus strand). Cytogenetic location: 16p13.3.
Variant type: Deletion.
Identifiers: ClinVar variation 833386 (VCV000833386.1).